The following is an entry in ClinVar:

ClinVar aggregate classification (germline): Benign/Likely benign. Review status: criteria provided, multiple submitters, no conflicts (2 of 4 stars). 5 submissions from 5 submitters: Benign (3); Likely benign (2). Last evaluated 2026-02-03.

Conditions:
Cardiovascular phenotype. Identifiers: MedGen CN230736.
Long QT syndrome (LQTS). Identifiers: MedGen C0023976, MeSH D008133, MONDO:0002442. Disease mechanism: loss of function. Inheritance: Various modes of inheritance.
Cardiac arrhythmia, ankyrin-B-related. Also called: ANKYRIN-B SYNDROME. Identifiers: Orphanet 101016, Orphanet 768, MedGen C1970119, MONDO:0010958, OMIM 600919.

Allele frequency attached by ClinVar (database versions not stated): TOPMed 0.00017; gnomAD 0.00020 and 0.00021; ESP Exome Variant Server 0.00023; 1000 Genomes Project 30x 0.00031; 1000 Genomes Project 0.00040.
gnomAD v4.1: 136 of 1,613,984 alleles (0.0084%); highest among the groups gnomAD compares: African/African-American, 0.051%; no homozygotes.

Submissions (5):

Labcorp Genetics (formerly Invitae), Labcorp
Classification: Likely benign for Long QT syndrome. Last evaluated: 2026-02-03. Review status: criteria provided, single submitter. Criteria: Invitae Variant Classification Sherloc (09022015). Collection method: clinical testing. Allele origin: germline.

Genome-Nilou Lab
Classification: Benign for Cardiac arrhythmia, ankyrin-B-related. Last evaluated: 2021-12-05. Review status: criteria provided, single submitter. Criteria: ACMG Guidelines, 2015. Collection method: clinical testing. Allele origin: germline. Affected: no.

Ambry Genetics
Classification: Benign for Cardiovascular phenotype. Last evaluated: 2020-02-11. Review status: criteria provided, single submitter. Criteria: Ambry Variant Classification Scheme 2023. Collection method: clinical testing. Allele origin: germline.

Women's Health and Genetics/Laboratory Corporation of America, LabCorp
Classification: Benign. Last evaluated: 2019-02-25. Review status: criteria provided, single submitter. Criteria: LabCorp Variant Classification Summary - May 2015. Collection method: clinical testing. Allele origin: germline.
Comment: Variant summary: ANK2 c.8388G>A alters a non-conserved nucleotide resulting in a synonymous change. 5/5 computational tools predict no significant impact on normal splicing. However, these predictions have yet to be confirmed by functional studies. The variant allele was found at a frequency of 9.8e-05 in 276062 control chromosomes, predominantly at a frequency of 0.00062 within the African subpopulation in the gnomAD database. The observed variant frequency within African control individuals in the gnomAD database is approximately 62 fold of the estimated maximal expected allele frequency for a pathogenic variant in ANK2 causing Arrhythmia phenotype (1e-05), strongly suggesting that the variant is a benign polymorphism found primarily in populations of African origin. To our knowledge, no occurrence of c.8388G>A in individuals affected with Arrhythmia and no experimental evidence demonstrating its impact on protein function have been reported. Two ClinVar submissions from clinical diagnostic laboratories (evaluation after 2014) cite the variant as likely benign. Based on the evidence outlined above, the variant was classified as benign.

GeneDx
Classification: Likely benign. Last evaluated: 2017-01-18. Review status: criteria provided, single submitter. Criteria: GeneDx Variant Classification (06012015). Collection method: clinical testing. Allele origin: germline. Affected: yes.
Comment: This variant is considered likely benign or benign based on one or more of the following criteria: it is a conservative change, it occurs at a poorly conserved position in the protein, it is predicted to be benign by multiple in silico algorithms, and/or has population frequency not consistent with disease.

NM_001148.6(ANK2):c.8388G>A (p.Pro2796=)

Gene: ANK2 (ankyrin 2; plus strand). Cytogenetic location: 4q26.
Variant type: single nucleotide variant.
Coding change: c.8388G>A on transcript NM_001148.6 (MANE Select); coding-DNA position 8388, G replaced by A.
Protein change: p.Pro2796=; no amino-acid change (proline 2796 retained).
Molecular consequence: synonymous variant. On other transcripts: intron variant (68).
Genome position (GRCh38, 1-based): chr4:113,357,006, G>A. VCF-style: chr4-113357006-G-A. GRCh37 (hg19) VCF-style: chr4-114278162-G-A.
Other names: c.8154G>A, p.Pro2718= (NM_001386142.1); c.4788G>A, p.Pro1596= (NM_001386166.1); c.8529G>A, p.Pro2843= (NM_001386174.1); c.8505G>A, p.Pro2835= (NM_001386175.1); c.4412-3817G>A (NM_001386186.2, NM_001386148.2); c.4214-3817G>A (NM_001354269.3); c.4292-3817G>A (NM_001386187.2); c.4253-3817G>A (NM_001386147.1); and 35 more.
Identifiers: ClinVar variation 413980 (VCV000413980.15), dbSNP rs369684289, ClinGen allele CA3051759.
Genomic context (GRCh38, chr4:113,357,006, plus strand): 5'-ATGTGAGGCCATGAGTCCTAGCAGCTCAGCTGCTCCTGTCTCTTCAGGTCTACAGAGTCC[G>A]ACTGGTGATGATGTTGATGAACAGCCAGTCATCTATAAAGAATCATTAGCTCTCCAAGGC-3'
Protein context (NP_001139.3, residues 2786-2806): AAPVSSGLQS[Pro2796=]TGDDVDEQPV